The following is an entry in ClinVar:

ClinVar aggregate classification (germline): Uncertain significance (1 of 4 stars; one submission).

Conditions:
Encephalopathy, acute, infection-induced (herpes-specific), susceptibility to, 1. Also called: Herpes simplex encephalitis, susceptibility to, 1. Identifiers: Orphanet 1930, MedGen C2750180, MONDO:0024563, OMIM 610551.

Allele frequency attached by ClinVar (database versions not stated): gnomAD exomes below 0.00001.
gnomAD v4.1: 4 of 1,614,226 alleles (0.00025%); highest among the groups gnomAD compares: South Asian, 0.0033%; no homozygotes.

Submission:

Labcorp Genetics (formerly Invitae), Labcorp
Classification: Uncertain significance for Encephalopathy, acute, infection-induced (herpes-specific), susceptibility to, 1. Last evaluated: 2023-08-27. Review status: criteria provided, single submitter. Criteria: Invitae Variant Classification Sherloc (09022015). Collection method: clinical testing. Allele origin: germline.
Comment: In summary, the available evidence is currently insufficient to determine the role of this variant in disease. Therefore, it has been classified as a Variant of Uncertain Significance. An algorithm developed to predict the effect of missense changes on protein structure and function (PolyPhen-2) suggests that this variant is likely to be tolerated. This variant has not been reported in the literature in individuals affected with TLR3-related conditions. This variant is present in population databases (no rsID available, gnomAD 0.003%). This sequence change replaces cysteine, which is neutral and slightly polar, with arginine, which is basic and polar, at codon 21 of the TLR3 protein (p.Cys21Arg).

NM_003265.3(TLR3):c.61T>C (p.Cys21Arg)

Gene: TLR3 (toll like receptor 3; plus strand). Cytogenetic location: 4q35.1.
Variant type: single nucleotide variant.
Coding change: c.61T>C on transcript NM_003265.3 (MANE Select); coding-DNA position 61, T replaced by C.
Protein change: p.Cys21Arg; replaces cysteine 21 with arginine.
Molecular consequence: missense variant.
Genome position (GRCh38, 1-based): chr4:186,076,680, T>C. VCF-style: chr4-186076680-T-C. GRCh37 (hg19) VCF-style: chr4-186997834-T-C.
Other names: short protein forms C21R.
Identifiers: ClinVar variation 2972920 (VCV002972920.3), dbSNP rs1279991080, ClinGen allele CA359107211.